The following is an entry in ClinVar:

NM_018417.6(ADCY10):c.3765C>T (p.Tyr1255=)

Gene: ADCY10 (adenylate cyclase 10; minus strand). Cytogenetic location: 1q24.2.
Variant type: single nucleotide variant.
Coding change: c.3765C>T on transcript NM_018417.6 (MANE Select); coding-DNA position 3765, C replaced by T.
Protein change: p.Tyr1255=; no amino-acid change (tyrosine 1255 retained).
Molecular consequence: synonymous variant.
Genome position (GRCh38, 1-based): chr1:167,824,841, G>A on the plus strand (C>T on the coding strand, the complement: ADCY10 is on the minus strand). VCF-style: chr1-167824841-G-A. GRCh37 (hg19) VCF-style: chr1-167794079-G-A.
Other names: c.3306C>T, p.Tyr1102= (NM_001167749.3); c.3489C>T, p.Tyr1163= (NM_001297772.2).
Identifiers: ClinVar variation 718045 (VCV000718045.35), dbSNP rs148366922, ClinGen allele CA1227243.
Genomic context (GRCh38, chr1:167,824,841, plus strand): 5'-TTCATATTTGAACCACACACCTTTGTAGCCAGCCAGGTGGTGGTATAGCGAATAGTCTAG[G>A]TAAGCCTTAATGATCTGAAATGGCAGAGTGGAGGAAGAGTGAGGCAGAACGCAAAGCAGA-3'
Protein context (NP_060887.2, residues 1245-1265): TQNCFQIIKA[Tyr1255=]LDYSLYHHLA

ClinVar aggregate classification (germline): Benign/Likely benign. Review status: criteria provided, multiple submitters, no conflicts (2 of 4 stars). 5 submissions from 5 submitters: Benign (2); Likely benign (3). Last evaluated 2026-09-01.

Conditions:
Familial idiopathic hypercalciuria (HCA2). Also called: Hypercalciuria, absorptive, susceptibility to; Hypercalciuria, absorptive, 2. Identifiers: MedGen C0342639, MONDO:0007748, OMIM 143870.

Allele frequency attached by ClinVar (database versions not stated): 1000 Genomes Project 0.00140; 1000 Genomes Project 30x 0.00172; ExAC 0.00228; gnomAD 0.00232 and 0.00234; gnomAD exomes 0.00232 and 0.00368; TOPMed 0.00240; ESP Exome Variant Server 0.00269.
gnomAD v4.1: 5,727 of 1,614,214 alleles (0.35%); highest among the groups gnomAD compares: Middle Eastern, 0.49%; 10 homozygotes.

Submissions (5):

CeGaT Center for Human Genetics Tuebingen
Classification: Likely benign. Last evaluated: 2026-09-01. Review status: criteria provided, single submitter. Criteria: CeGaT Center For Human Genetics Tuebingen Variant Classification Criteria Version 2. Collection method: clinical testing. Allele origin: germline. Affected: yes. Observed: 4 variant alleles.
Comment: ADCY10: BP4, BP7, BS1

Labcorp Genetics (formerly Invitae), Labcorp
Classification: Benign. Last evaluated: 2026-01-18. Review status: criteria provided, single submitter. Criteria: Invitae Variant Classification Sherloc (09022015). Collection method: clinical testing. Allele origin: germline.

Blueprint Genetics
Classification: Likely benign. Last evaluated: 2024-11-26. Review status: criteria provided, single submitter. Criteria: ACMG Guidelines, 2015. Collection method: clinical testing. Allele origin: germline.

Fulgent Genetics
Classification: Likely benign for Familial idiopathic hypercalciuria. Last evaluated: 2021-10-08. Review status: criteria provided, single submitter. Criteria: ACMG Guidelines, 2015. Collection method: clinical testing. Allele origin: unknown.

Breakthrough Genomics
Classification: Benign. Review status: criteria provided, single submitter. Criteria: ACMG Guidelines, 2015. Collection method: not provided. Allele origin: germline. Inheritance: Autosomal dominant inheritance. Affected: yes.